The following is an entry in ClinVar:

ClinVar aggregate classification (germline): Uncertain significance (1 of 4 stars; one submission).

Conditions:
Familial thoracic aortic aneurysm and aortic dissection (TAAD). Also called: Thoracic aortic aneurysms and dissections. Identifiers: Orphanet 91387, MedGen C4707243, MONDO:0019625.

Submission:

Ambry Genetics
Classification: Uncertain significance for Familial thoracic aortic aneurysm and aortic dissection. Last evaluated: 2026-09-07. Review status: criteria provided, single submitter. Criteria: Ambry Variant Classification Scheme 2023. Collection method: clinical testing. Allele origin: germline.
Comment: The p.P5S variant (also known as c.13C>T), located in coding exon 2 of the SLC2A10 gene, results from a C to T substitution at nucleotide position 13. The proline at codon 5 is replaced by serine, an amino acid with similar properties. This amino acid position is conserved. In addition, this alteration is predicted to be tolerated by in silico analysis. Based on the available evidence, the clinical significance of this variant remains unclear.

NM_030777.4(SLC2A10):c.13C>T (p.Pro5Ser)

Gene: SLC2A10 (solute carrier family 2 member 10; plus strand). Cytogenetic location: 20q13.12.
Variant type: single nucleotide variant.
Coding change: c.13C>T on transcript NM_030777.4 (MANE Select); coding-DNA position 13, C replaced by T.
Protein change: p.Pro5Ser; replaces proline 5 with serine.
Molecular consequence: missense variant.
Genome position (GRCh38, 1-based): chr20:46,725,049, C>T. VCF-style: chr20-46725049-C-T. GRCh37 (hg19) VCF-style: chr20-45353688-C-T.
Other names: short protein forms P5S.
Identifiers: ClinVar variation 5029626 (VCV005029626.1).
Genomic context (GRCh38, chr20:46,725,049, plus strand): 5'-TGGTATGACAAGGAACCATTCTAACTCTGTCCCTCTCACTTTTGTTTTTTAGGCCACTCC[C>T]CACCTGTCCTGCCTTTGTGTGCCTCTGTGTCTTTGCTGGGTGGCCTGACCTTTGGTTATG-3'
Protein context (NP_110404.1, residues 1-15): MGHS[Pro5Ser]PVLPLCASVS